The following is an entry in ClinVar:

ClinVar aggregate classification (germline): Pathogenic (1 of 4 stars; one submission).

Conditions:
Hereditary breast ovarian cancer syndrome. Also called: Breast and ovarian cancer; Hereditary breast and ovarian cancer syndrome; Hereditary breast and ovarian cancer syndrome (HBOC); BRCA1- and BRCA2-Associated Hereditary Breast and Ovarian Cancer; Hereditary breast and ovarian cancer; Hereditary breast and/or ovarian cancer syndrome. Identifiers: Orphanet 145, MedGen C0677776, MeSH D061325, MONDO:0003582. Disease mechanism: loss of function.

Submission:

Labcorp Genetics (formerly Invitae), Labcorp
Classification: Pathogenic for Hereditary breast ovarian cancer syndrome. Last evaluated: 2024-07-18. Review status: criteria provided, single submitter. Criteria: Invitae Variant Classification Sherloc (09022015). Collection method: clinical testing. Allele origin: germline.
Comment: This sequence change creates a premature translational stop signal (p.Ser2186Phefs*3) in the BRCA2 gene. It is expected to result in an absent or disrupted protein product. Loss-of-function variants in BRCA2 are known to be pathogenic (PMID: 20104584). This variant is not present in population databases (gnomAD no frequency). This variant has not been reported in the literature in individuals affected with BRCA2-related conditions. ClinVar contains an entry for this variant (Variation ID: 841252). For these reasons, this variant has been classified as Pathogenic.

Literature cited by the submitters: PubMed 20104584.

NM_000059.4(BRCA2):c.6554dup (p.Ser2186fs)

Gene: BRCA2 (BRCA2 DNA repair associated; plus strand). Cytogenetic location: 13q13.1.
Variant type: Duplication.
Coding change: c.6554dup on transcript NM_000059.4 (MANE Select); coding-DNA position 6554, one base duplicated (C; older notation c.6554dupC).
Protein change: p.Ser2186fs; shifts the reading frame from serine 2186.
Molecular consequence: frameshift variant.
Genome position (GRCh38, 1-based): chr13:32,340,909, C duplicated. VCF-style (leftmost placement, unchanged base first): chr13-32340908-G-GC. GRCh37 (hg19) VCF-style: chr13-32915045-G-GC.
Other names: short protein forms S2186fs.
Identifiers: ClinVar variation 841252 (VCV000841252.8), dbSNP rs2072559504, ClinGen allele CA916080217.
Genomic context (GRCh38, chr13:32,340,908, plus strand): 5'-TTGGTATTAGGAACCAAAGTGTCACTTGTTGAGAACATTCATGTTTTGGGAAAAGAACAG[G>GC]CTTCACCTAAAAACGTAAAAATGGAAATTGGTAAAACTGAAACTTTTTCTGATGTTCCTG-3'